The following is an entry in ClinVar:

NM_000383.4(AIRE):c.481A>T (p.Lys161Ter)

Gene: AIRE (autoimmune regulator; plus strand). Cytogenetic location: 21q22.3.
Variant type: single nucleotide variant.
Coding change: c.481A>T on transcript NM_000383.4 (MANE Select); coding-DNA position 481, A replaced by T.
Protein change: p.Lys161Ter; replaces lysine 161 with a stop codon.
Molecular consequence: nonsense.
Genome position (GRCh38, 1-based): chr21:44,287,534, A>T. VCF-style: chr21-44287534-A-T. GRCh37 (hg19) VCF-style: chr21-45707417-A-T.
Other names: short protein forms K161*.
Identifiers: ClinVar variation 983804 (VCV000983804.3), dbSNP rs2040495130, ClinGen allele CA410423928.

ClinVar aggregate classification (germline): Likely pathogenic (1 of 4 stars; one submission).

Conditions:
Polyglandular autoimmune syndrome, type 1 (APS1). Also called: AUTOIMMUNE POLYENDOCRINE SYNDROME, TYPE I, WITH OR WITHOUT REVERSIBLE METAPHYSEAL DYSPLASIA; APS I; HYPOADRENOCORTICISM WITH HYPOPARATHYROIDISM AND SUPERFICIAL MONILIASIS; PGA I; Whitaker syndrome; Autoimmune polyendocrinopathy syndrome, type I. Identifiers: Orphanet 3453, MedGen C0085859, MONDO:0009411, OMIM 240300.

Submission:

Myriad Genetics, Inc.
Classification: Likely pathogenic for Polyglandular autoimmune syndrome, type 1. Last evaluated: 2019-06-24. Review status: criteria provided, single submitter. Criteria: Myriad Women's Health Autosomal Recessive and X-Linked Classification Criteria (2019). Collection method: clinical testing. Allele origin: unknown.
Comment: NM_000383.3(AIRE):c.481A>T(K161*) is expected to be pathogenic in the context of autoimmune polyglandular syndrome type 1. This variant is predicted to lead to an abnormal or absent protein product due to the creation of a premature termination codon in AIRE, a gene where loss-of-function variants are known to be pathogenic. Please note: this variant was assessed in the context of healthy population screening.